The following is an entry in ClinVar:

NC_000005.9:g.(?_125881996)_(125882111_?)dup

Gene: ALDH7A1 (aldehyde dehydrogenase 7 family member A1; minus strand). Cytogenetic location: 5q23.2.
Variant type: Duplication.
Identifiers: ClinVar variation 2423938 (VCV002423938.5).

ClinVar aggregate classification (germline): Likely pathogenic (1 of 4 stars; one submission).

Conditions:
Pyridoxine-dependent epilepsy (EPEO4). Also called: PYRIDOXINE DEPENDENCY WITH SEIZURES; EPILEPSY, EARLY-ONSET, 4, VITAMIN B6-DEPENDENT; Pyridoxine-Dependent Seizures; Pyridoxine-Dependent Epilepsy - ALDH7A1. Identifiers: Orphanet 3006, MedGen C1849508, MONDO:0009945, OMIM 266100. Disease mechanism: loss of function.

Submission:

Labcorp Genetics (formerly Invitae), Labcorp
Classification: Likely pathogenic for Pyridoxine-dependent epilepsy. Last evaluated: 2022-05-15. Review status: criteria provided, single submitter. Criteria: Invitae Variant Classification Sherloc (09022015). Collection method: clinical testing. Allele origin: germline.
Comment: This variant results in a copy number gain of the genomic region encompassing exon(s) 17 of the ALDH7A1 gene. While the exact position of this variant cannot be determined from the data, sub-genic copy number gains are generally in tandem (PMID: 25640679). This variant is predicted to be out-of-frame, and may result in an absent or disrupted protein product. Loss-of-function variants in ALDH7A1 are known to be pathogenic (PMID: 16491085, 20554659). This variant has not been reported in the literature in individuals affected with ALDH7A1-related conditions. In summary, the currently available evidence indicates that the variant is pathogenic, but additional data are needed to prove that conclusively. Therefore, this variant has been classified as Likely Pathogenic.

Literature cited by the submitters: PubMed 25640679; PubMed 16491085; PubMed 20554659.